The following is an entry in ClinVar:

NM_001170535.3(ATAD3A):c.1338-1G>A

Gene: ATAD3A (ATPase family AAA domain containing 3A; plus strand). Cytogenetic location: 1p36.33.
Variant type: single nucleotide variant.
Coding change: c.1338-1G>A on transcript NM_001170535.3 (MANE Select); the canonical splice acceptor site of the intron before coding-DNA position 1338, G replaced by A.
Molecular consequence: splice acceptor variant.
Genome position (GRCh38, 1-based): chr1:1,527,694, G>A. VCF-style: chr1-1527694-G-A. GRCh37 (hg19) VCF-style: chr1-1463074-G-A.
Other names: c.1482-1G>A (NM_018188.5); c.1101-1G>A (NM_001170536.3).
Identifiers: ClinVar variation 2288931 (VCV002288931.2), dbSNP rs2524203568, ClinGen allele CA337860467.

ClinVar aggregate classification (germline): Uncertain significance (1 of 4 stars; one submission).

Conditions:
Inborn genetic diseases. Identifiers: MedGen C0950123, MeSH D030342.

Submission:

Ambry Genetics
Classification: Uncertain significance for Inborn genetic diseases. Last evaluated: 2022-07-13. Review status: criteria provided, single submitter. Criteria: Ambry Variant Classification Scheme 2023. Collection method: clinical testing. Allele origin: germline.
Comment: Resulting transcript is predicted to be in-frame and is not expected to trigger nonsense-mediated mRNA decay Based on insufficient or conflicting evidence, the clinical significance of this alteration remains unclear.